The following is an entry in ClinVar:

ClinVar aggregate classification (germline): Uncertain significance (1 of 4 stars; one submission).

Submission:

Women's Health and Genetics/Laboratory Corporation of America, LabCorp
Classification: Uncertain significance. Last evaluated: 2024-07-11. Review status: criteria provided, single submitter. Criteria: LabCorp Variant Classification Summary - May 2015. Collection method: clinical testing. Allele origin: germline.
Comment: Variant summary: CRB1 c.3488G>A (p.Cys1163Tyr) results in a non-conservative amino acid change in the encoded protein sequence. Five of five in-silico tools predict a damaging effect of the variant on protein function. The variant was absent in 250314 control chromosomes. The available data on variant occurrences in the general population are insufficient to allow any conclusion about variant significance. To our knowledge, no occurrence of c.3488G>A in individuals affected with Retinal Dystrophy and no experimental evidence demonstrating its impact on protein function have been reported. No submitters have cited clinical-significance assessments for this variant to ClinVar. Based on the evidence outlined above, the variant was classified as uncertain significance.

NM_201253.3(CRB1):c.3488G>A (p.Cys1163Tyr)

Gene: CRB1 (crumbs cell polarity complex component 1; plus strand). Cytogenetic location: 1q31.3.
Variant type: single nucleotide variant.
Coding change: c.3488G>A on transcript NM_201253.3 (MANE Select); coding-DNA position 3488, G replaced by A.
Protein change: p.Cys1163Tyr; replaces cysteine 1163 with tyrosine.
Molecular consequence: missense variant. On other transcripts: non-coding transcript variant (2), intron variant (1).
Genome position (GRCh38, 1-based): chr1:197,435,351, G>A. VCF-style: chr1-197435351-G-A. GRCh37 (hg19) VCF-style: chr1-197404481-G-A.
Other names: c.3152G>A, p.Cys1051Tyr (NM_001193640.2); c.3416G>A, p.Cys1139Tyr (NM_001257965.2); c.2129-249G>A (NM_001257966.2); short protein forms C1051Y, C1139Y, C1163Y.
Identifiers: ClinVar variation 3338949 (VCV003338949.1).
Genomic context (GRCh38, chr1:197,435,351, plus strand): 5'-GCAACTCCAACCCCTGTTTGCATGGAGGAAACTGTGAAGACATCTATAGCTCTTATCATT[G>A]CTCCTGTCCCTTGGGATGGTCAGGGAAACACTGTGAACTCAACATCGATGAATGCTTTTC-3'
Protein context (NP_957705.1, residues 1153-1173): NCEDIYSSYH[Cys1163Tyr]SCPLGWSGKH